The following is an entry in ClinVar:

ClinVar aggregate classification (germline): Uncertain significance (1 of 4 stars; one submission).

Conditions:
Inborn genetic diseases. Identifiers: MedGen C0950123, MeSH D030342.

Submission:

Ambry Genetics
Classification: Uncertain significance for Inborn genetic diseases. Last evaluated: 2025-05-02. Review status: criteria provided, single submitter. Criteria: Ambry Variant Classification Scheme 2023. Collection method: clinical testing. Allele origin: germline.
Comment: The p.A172E variant (also known as c.515C>A), located in coding exon 4 of the CASQ1 gene, results from a C to A substitution at nucleotide position 515. The alanine at codon 172 is replaced by glutamic acid, an amino acid with dissimilar properties. This amino acid position is conserved. In addition, the in silico prediction for this alteration is inconclusive. Based on the available evidence, the clinical significance of this variant remains unclear.

NM_001231.5(CASQ1):c.515C>A (p.Ala172Glu)

Gene: CASQ1 (calsequestrin 1; plus strand). Cytogenetic location: 1q23.2.
Variant type: single nucleotide variant.
Coding change: c.515C>A on transcript NM_001231.5 (MANE Select); coding-DNA position 515, C replaced by A.
Protein change: p.Ala172Glu; replaces alanine 172 with glutamic acid.
Molecular consequence: missense variant.
Genome position (GRCh38, 1-based): chr1:160,195,061, C>A. VCF-style: chr1-160195061-C-A. GRCh37 (hg19) VCF-style: chr1-160164851-C-A.
Other names: short protein forms A172E.
Identifiers: ClinVar variation 3995691 (VCV003995691.1).